The following is an entry in ClinVar:

NM_012199.5(AGO1):c.595G>T (p.Gly199Cys)

Gene: AGO1 (argonaute RISC component 1; plus strand). Cytogenetic location: 1p34.3.
Variant type: single nucleotide variant.
Coding change: c.595G>T on transcript NM_012199.5 (MANE Select); coding-DNA position 595, G replaced by T.
Protein change: p.Gly199Cys; replaces glycine 199 with cysteine.
Molecular consequence: missense variant.
Genome position (GRCh38, 1-based): chr1:35,893,756, G>T. VCF-style: chr1-35893756-G-T. GRCh37 (hg19) VCF-style: chr1-36359357-G-T.
Other names: c.595G>T, p.Gly199Cys (NM_001317122.2); c.370G>T, p.Gly124Cys (NM_001317123.2); short protein forms G124C, G199C.
Identifiers: ClinVar variation 1750732 (VCV001750732.2), dbSNP rs2148711383, ClinGen allele CA339367510.

ClinVar aggregate classification (germline): Likely pathogenic (1 of 4 stars; one submission).

Conditions:
Inborn genetic diseases. Identifiers: MedGen C0950123, MeSH D030342.

Submission:

Ambry Genetics
Classification: Likely pathogenic for Inborn genetic diseases. Last evaluated: 2023-05-11. Review status: criteria provided, single submitter. Criteria: Ambry Variant Classification Scheme 2023. Collection method: clinical testing. Allele origin: germline.
Comment: The c.595G>T (p.G199C) alteration is located in exon 5 (coding exon 5) of the AGO1 gene. This alteration results from a G to T substitution at nucleotide position 595, causing the glycine (G) at amino acid position 199 to be replaced by a cysteine (C). This variant was not reported in population-based cohorts in the Genome Aggregation Database (gnomAD). Another alteration at the same codon, c.595G>A (p.G199S), has been reported to occur de novo in cohorts with intellectual disability and autism spectrum disorder (Hamdan, 2014; Sakaguchi, 2019; Schalk, 2022) This amino acid position is highly conserved in available vertebrate species. This missense alteration is located in a region that has a low rate of benign missense variation (Lek, 2016; Firth, 2009). Based on internal structural analysis, G199C is strongly destabilizing to the structure of the AGO1 linker domain 1 (Nakanishi, 2013) . The in silico prediction for this alteration is inconclusive. Based on the available evidence, this alteration is classified as likely pathogenic.

Literature cited by the submitters: PubMed 23809764; PubMed 25356899; PubMed 30213762; PubMed 34930816.